The following is an entry in ClinVar:

NM_001384732.1(CPLANE1):c.8175AGA[1] (p.Glu2726del)

Gene: CPLANE1 (ciliogenesis and planar polarity effector complex subunit 1; minus strand). Cytogenetic location: 5p13.2.
Variant type: Microsatellite.
Coding change: c.8175AGA[1] on transcript NM_001384732.1 (MANE Select); one copy of the 3-base unit AGA starting at c.8175; the reference has two copies in a row; one copy, 3 bases deleted.
Protein change: p.Glu2726del; deletes glutamic acid 2726.
Molecular consequence: inframe deletion.
Genome position (GRCh38, 1-based): chr5:37,153,933-37,153,935, TCT deleted on the plus strand (AGA on the coding strand, the reverse complement: CPLANE1 is on the minus strand); deleting any 3 consecutive bases within chr5:37,153,933-37,153,938 gives the same sequence; the position shown is the placement nearest the transcript's 3' end. VCF-style (leftmost placement, unchanged base first): chr5-37153932-ATCT-A. GRCh37 (hg19) VCF-style: chr5-37154034-ATCT-A.
Other names: c.8013AGA[1], p.Glu2672del (NM_023073.4); short protein forms E2726del, E2672del.
Identifiers: ClinVar variation 1416173 (VCV001416173.6), dbSNP rs2150623307, ClinGen allele CA2580613553.

ClinVar aggregate classification (germline): Uncertain significance (1 of 4 stars; one submission).

Submission:

Labcorp Genetics (formerly Invitae), Labcorp
Classification: Uncertain significance. Last evaluated: 2021-07-14. Review status: criteria provided, single submitter. Criteria: Invitae Variant Classification Sherloc (09022015). Collection method: clinical testing. Allele origin: germline.
Comment: This variant, c.8016_8018del, results in the deletion of 1 amino acid(s) of the CPLANE1 protein (p.Glu2672del), but otherwise preserves the integrity of the reading frame. This variant is not present in population databases (ExAC no frequency). This variant has not been reported in the literature in individuals with CPLANE1-related conditions. Experimental studies and prediction algorithms are not available or were not evaluated, and the functional significance of this variant is currently unknown. In summary, the available evidence is currently insufficient to determine the role of this variant in disease. Therefore, it has been classified as a Variant of Uncertain Significance.